The following is an entry in ClinVar:

NM_000548.5(TSC2):c.1383G>A (p.Val461=)

Gene: TSC2 (TSC complex subunit 2; plus strand). Cytogenetic location: 16p13.3.
Variant type: single nucleotide variant.
Coding change: c.1383G>A on transcript NM_000548.5 (MANE Select); coding-DNA position 1383, G replaced by A.
Protein change: p.Val461=; no amino-acid change (valine 461 retained).
Molecular consequence: synonymous variant.
Genome position (GRCh38, 1-based): chr16:2,062,993, G>A. VCF-style: chr16-2062993-G-A. GRCh37 (hg19) VCF-style: chr16-2112994-G-A.
Other names: c.1383G>A, p.Val461= (NM_001077183.3, NM_001114382.3, NM_001363528.2 and 3 more transcripts); c.1272G>A, p.Val424= (NM_001318827.2); c.1236G>A, p.Val412= (NM_001318829.2); c.783G>A, p.Val261= (NM_001318831.2); c.1416G>A, p.Val472= (NM_001318832.2).
Identifiers: ClinVar variation 413712 (VCV000413712.12), dbSNP rs760393399, ClinGen allele CA16614925.

ClinVar aggregate classification (germline): Likely benign. Review status: criteria provided, multiple submitters, no conflicts (2 of 4 stars). 3 submissions from 3 submitters: Likely benign (3). Last evaluated 2023-04-28.

Conditions:
Hereditary cancer-predisposing syndrome. Also called: Tumor predisposition; Neoplastic Syndromes, Hereditary; Hereditary Cancer Syndrome; Hereditary neoplastic syndrome. Identifiers: Orphanet 140162, MedGen C0027672, MeSH D009386, MONDO:0015356.
Tuberous sclerosis syndrome (TSC). Also called: Tuberous Sclerosis Complex; Tuberous sclerosis. Identifiers: Orphanet 805, MedGen C0041341, MONDO:0001734.
Tuberous sclerosis 2 (TSC2). Identifiers: Orphanet 805, MedGen C1860707, MONDO:0013199, OMIM 613254.

Allele frequency attached by ClinVar (database versions not stated): gnomAD exomes below 0.00001.
gnomAD v4.1: 3 of 1,551,186 alleles (0.00019%); highest among the groups gnomAD compares: Non-Finnish European, 0.00026%; no homozygotes.

Submissions (3):

All of Us Research Program, National Institutes of Health
Classification: Likely benign for Tuberous sclerosis syndrome. Last evaluated: 2023-04-28. Review status: criteria provided, single submitter. Criteria: ACMG Guidelines, 2015. Collection method: clinical testing. Allele origin: germline. Inheritance: Autosomal dominant inheritance. Observed: 1 variant allele, 1 heterozygote.
Comment: This study involves interpretation of variants in research participants for the purpose of population health screening. Participant phenotype was not available at the time of variant classification. Additional details can be found in publication PMID: 35346344, PMCID: PMC8962531

Ambry Genetics
Classification: Likely benign for Hereditary cancer-predisposing syndrome. Last evaluated: 2022-06-27. Review status: criteria provided, single submitter. Criteria: Ambry Variant Classification Scheme 2023. Collection method: clinical testing. Allele origin: germline.

Labcorp Genetics (formerly Invitae), Labcorp
Classification: Likely benign for Tuberous sclerosis 2. Last evaluated: 2021-05-27. Review status: criteria provided, single submitter. Criteria: Invitae Variant Classification Sherloc (09022015). Collection method: clinical testing. Allele origin: germline.